The following is an entry in ClinVar:

ClinVar aggregate classification (germline): Pathogenic (1 of 4 stars; one submission).

Conditions:
Cardiovascular phenotype. Identifiers: MedGen CN230736.
Hereditary cancer-predisposing syndrome. Also called: Neoplastic Syndromes, Hereditary; Tumor predisposition; Hereditary Cancer Syndrome; Hereditary neoplastic syndrome. Identifiers: Orphanet 140162, MedGen C0027672, MeSH D009386, MONDO:0015356.

Submission:

Ambry Genetics
Classification: Pathogenic for Cardiovascular phenotype; Hereditary cancer-predisposing syndrome. Last evaluated: 2025-11-06. Review status: criteria provided, single submitter. Criteria: Ambry Variant Classification Scheme 2023. Collection method: clinical testing. Allele origin: germline.
Comment: The p.Y1500* pathogenic mutation (also known as c.4500T>A), located in coding exon 33 of the NF1 gene, results from a T to A substitution at nucleotide position 4500. This changes the amino acid from a tyrosine to a stop codon within coding exon 33. This variant was reported in individual(s) with features consistent with Neurofibromatosis type 1 (Castellanos E et al. Clin Genet, 2020 Feb;97:264-275; Ambry internal data). This variant is considered to be rare based on population cohorts in the Genome Aggregation Database (gnomAD). This alteration is expected to result in loss of function by premature protein truncation or nonsense-mediated mRNA decay. As such, this alteration is interpreted as a disease-causing mutation.

Literature cited by the submitters: PubMed 31573083.

NM_001042492.3(NF1):c.4563T>A (p.Tyr1521Ter)

Gene: NF1 (neurofibromin 1; plus strand). Cytogenetic location: 17q11.2.
Variant type: single nucleotide variant.
Coding change: c.4563T>A on transcript NM_001042492.3 (MANE Select); coding-DNA position 4563, T replaced by A.
Protein change: p.Tyr1521Ter; replaces tyrosine 1521 with a stop codon.
Molecular consequence: nonsense.
Genome position (GRCh38, 1-based): chr17:31,260,501, T>A. VCF-style: chr17-31260501-T-A. GRCh37 (hg19) VCF-style: chr17-29587519-T-A.
Other names: c.4500T>A, p.Tyr1500Ter (NM_000267.4); short protein forms Y1500*, Y1521*.
Identifiers: ClinVar variation 4615776 (VCV004615776.1).
Genomic context (GRCh38, chr17:31,260,501, plus strand): 5'-CGGCAATGTGCTTGCTTTACATCGTCTACTCTGGAACAATCAGGAGAAAATTGGGCAGTA[T>A]CTTTCCAGCAACAGGTAAGATTTCCCAGTCATGGGGATAGTGAACACTCTCCGTTTAAAT-3'